The following is an entry in ClinVar:

NM_002485.5(NBN):c.585-1G>A

Gene: NBN (nibrin; minus strand). Cytogenetic location: 8q21.3.
Variant type: single nucleotide variant.
Coding change: c.585-1G>A on transcript NM_002485.5 (MANE Select); the canonical splice acceptor site of the intron before coding-DNA position 585, G replaced by A.
Molecular consequence: splice acceptor variant.
Genome position (GRCh38, 1-based): chr8:89,971,291, C>T on the plus strand (G>A on the coding strand, the complement: NBN is on the minus strand). VCF-style: chr8-89971291-C-T. GRCh37 (hg19) VCF-style: chr8-90983519-C-T.
Other names: c.339-1G>A (NM_001024688.3).
Identifiers: ClinVar variation 551708 (VCV000551708.13), dbSNP rs1394578008, ClinGen allele CA371659347.

ClinVar aggregate classification (germline): Likely pathogenic. Review status: criteria provided, multiple submitters, no conflicts (2 of 4 stars). 3 submissions from 3 submitters: Likely pathogenic (2). 1 of the submissions does not count toward it. Last evaluated 2021-12-07.

Conditions:
Microcephaly, normal intelligence and immunodeficiency (NBS). Also called: Ataxia telangiectasia variant V1; IMMUNODEFICIENCY, MICROCEPHALY, AND CHROMOSOMAL INSTABILITY; SEEMANOVA SYNDROME II; Nijmegen breakage syndrome; Microcephaly with normal intelligence immunodeficiency and lymphoreticular malignancies; Nonsyndromal microcephaly autosomal recessive with normal intelligence. Identifiers: Orphanet 647, MedGen C0398791, MONDO:0009623, OMIM 251260.

Submissions (3):

Labcorp Genetics (formerly Invitae), Labcorp
Classification: Likely pathogenic for Microcephaly, normal intelligence and immunodeficiency. Last evaluated: 2021-12-07. Review status: criteria provided, single submitter. Criteria: Invitae Variant Classification Sherloc (09022015). Collection method: clinical testing. Allele origin: germline.
Comment: This variant has not been reported in the literature in individuals affected with NBN-related conditions. This sequence change affects an acceptor splice site in intron 5 of the NBN gene. It is expected to disrupt RNA splicing. Variants that disrupt the donor or acceptor splice site typically lead to a loss of protein function (PMID: 16199547), and loss-of-function variants in NBN are known to be pathogenic (PMID: 9590180, 16415040). This variant is not present in population databases (gnomAD no frequency). ClinVar contains an entry for this variant (Variation ID: 551708). Algorithms developed to predict the effect of sequence changes on RNA splicing suggest that this variant may disrupt the consensus splice site. In summary, the currently available evidence indicates that the variant is pathogenic, but additional data are needed to prove that conclusively. Therefore, this variant has been classified as Likely Pathogenic.

GeneDx
Classification: Likely pathogenic. Last evaluated: 2021-11-10. Review status: criteria provided, single submitter. Criteria: GeneDx Variant Classification Process June 2021. Collection method: clinical testing. Allele origin: germline. Affected: yes.
Comment: Canonical splice site variant in a gene for which loss-of-function is a known mechanism of disease; Not observed in large population cohorts (Lek 2016); Has not been previously published as pathogenic or benign to our knowledge

Counsyl
Classification: Likely pathogenic for Microcephaly, normal intelligence and immunodeficiency. Last evaluated: 2017-05-03. Review status: no assertion criteria provided. Collection method: clinical testing. Allele origin: unknown. Not counted in ClinVar's aggregate classification.

Literature cited by the submitters: PubMed 16199547 (cited by Labcorp Genetics (formerly Invitae), Labcorp); PubMed 9590180 (cited by Labcorp Genetics (formerly Invitae), Labcorp); PubMed 16415040 (cited by Labcorp Genetics (formerly Invitae), Labcorp).